The following is an entry in ClinVar:

NM_000182.5(HADHA):c.1994C>T (p.Ser665Phe)

Genes: HADHA (hydroxyacyl-CoA dehydrogenase trifunctional multienzyme complex subunit alpha; minus strand), GAREM2 (GRB2 associated regulator of MAPK1 subtype 2; plus strand). Cytogenetic location: 2p23.3.
Variant type: single nucleotide variant.
Coding change: c.1994C>T on transcript NM_000182.5 (MANE Select); coding-DNA position 1994, C replaced by T.
Protein change: p.Ser665Phe; replaces serine 665 with phenylalanine.
Molecular consequence: missense variant.
Genome position (GRCh38, 1-based): chr2:26,192,316, G>A on the plus strand (C>T on the coding strand, the complement: HADHA is on the minus strand). VCF-style: chr2-26192316-G-A. GRCh37 (hg19) VCF-style: chr2-26415185-G-A.
Other names: short protein forms S665F.
Identifiers: ClinVar variation 1479898 (VCV001479898.6), dbSNP rs1669530829, ClinGen allele CA346114257.

ClinVar aggregate classification (germline): Uncertain significance (1 of 4 stars; one submission).

Conditions:
Mitochondrial trifunctional protein deficiency. Identifiers: Orphanet 746, MedGen C1969443, MONDO:0012172.
Long chain 3-hydroxyacyl-CoA dehydrogenase deficiency. Also called: Deficiency of long-chain 3-hydroxyacyl-coenzyme A dehydrogenase; LCHAD Deficiency. Identifiers: Orphanet 5, MedGen C3711645, MONDO:0012173, OMIM 609016.

gnomAD v4.1: 1 of 1,553,566 alleles (0.000064%); highest among the groups gnomAD compares: Non-Finnish European, 0.000089%; no homozygotes.

Submission:

Labcorp Genetics (formerly Invitae), Labcorp
Classification: Uncertain significance for Mitochondrial trifunctional protein deficiency; Long chain 3-hydroxyacyl-CoA dehydrogenase deficiency. Last evaluated: 2021-11-13. Review status: criteria provided, single submitter. Criteria: Invitae Variant Classification Sherloc (09022015). Collection method: clinical testing. Allele origin: germline.
Comment: In summary, the available evidence is currently insufficient to determine the role of this variant in disease. Therefore, it has been classified as a Variant of Uncertain Significance. Advanced modeling of protein sequence and biophysical properties (such as structural, functional, and spatial information, amino acid conservation, physicochemical variation, residue mobility, and thermodynamic stability) performed at Invitae indicates that this missense variant is not expected to disrupt HADHA protein function. This variant has not been reported in the literature in individuals affected with HADHA-related conditions. This variant is not present in population databases (gnomAD no frequency). This sequence change replaces serine, which is neutral and polar, with phenylalanine, which is neutral and non-polar, at codon 665 of the HADHA protein (p.Ser665Phe).